The following is an entry in ClinVar:

ClinVar aggregate classification (germline): Uncertain significance. Review status: criteria provided, multiple submitters, no conflicts (2 of 4 stars). 2 submissions from 2 submitters: Uncertain significance (2). Last evaluated 2024-10-30.

Conditions:
Hereditary cancer-predisposing syndrome. Also called: Neoplastic Syndromes, Hereditary; Tumor predisposition; Hereditary Cancer Syndrome; Hereditary neoplastic syndrome. Identifiers: Orphanet 140162, MedGen C0027672, MeSH D009386, MONDO:0015356.

Submissions (2):

Color Diagnostics, LLC DBA Color Health
Classification: Uncertain significance for Hereditary cancer-predisposing syndrome. Last evaluated: 2024-10-30. Review status: criteria provided, single submitter. Criteria: ACMG Guidelines, 2015. Collection method: clinical testing. Allele origin: germline.
Comment: This missense variant replaces proline with threonine at codon 1221 of the APC protein. Computational prediction suggests that this variant may not impact protein structure and function (internally defined REVEL score threshold <= 0.5, PMID: 27666373). To our knowledge, functional studies have not been reported for this variant. This variant has not been reported in individuals affected with APC-related disorders in the literature. This variant has not been identified in the general population by the Genome Aggregation Database (gnomAD). The available evidence is insufficient to determine the role of this variant in disease conclusively. Therefore, this variant is classified as a Variant of Uncertain Significance.

Ambry Genetics
Classification: Uncertain significance for Hereditary cancer-predisposing syndrome. Last evaluated: 2022-09-20. Review status: criteria provided, single submitter. Criteria: Ambry Variant Classification Scheme 2023. Collection method: clinical testing. Allele origin: germline.
Comment: The p.P1221T variant (also known as c.3661C>A), located in coding exon 15 of the APC gene, results from a C to A substitution at nucleotide position 3661. The proline at codon 1221 is replaced by threonine, an amino acid with highly similar properties. This amino acid position is conserved. In addition, in silico predictors for this gene do not accurately predict pathogenicity. Since supporting evidence is limited at this time, the clinical significance of this alteration remains unclear.

NM_000038.6(APC):c.3661C>A (p.Pro1221Thr)

Gene: APC (APC regulator of Wnt signaling pathway; plus strand). Cytogenetic location: 5q22.2.
Variant type: single nucleotide variant.
Coding change: c.3661C>A on transcript NM_000038.6 (MANE Select); coding-DNA position 3661, C replaced by A.
Protein change: p.Pro1221Thr; replaces proline 1221 with threonine.
Molecular consequence: missense variant.
Genome position (GRCh38, 1-based): chr5:112,839,255, C>A. VCF-style: chr5-112839255-C-A. GRCh37 (hg19) VCF-style: chr5-112174952-C-A.
Other names: c.3358C>A, p.Pro1120Thr (NM_001354903.2, NM_001407458.1, NM_001407459.1 and 1 more transcripts); c.3283C>A, p.Pro1095Thr (NM_001354904.2); c.3181C>A, p.Pro1061Thr (NM_001354905.2); c.2812C>A, p.Pro938Thr (NM_001354906.2, NM_001407470.1); c.3412C>A, p.Pro1138Thr (NM_001407457.1, NM_001407456.1, NM_001407454.1 and 1 more transcripts); c.3745C>A, p.Pro1249Thr (NM_001407446.1); c.3715C>A, p.Pro1239Thr (NM_001407447.1, NM_001407448.1, NM_001407449.1 and 1 more transcripts); c.3661C>A, p.Pro1221Thr (NM_001407450.1, NM_001127510.3, NM_001354895.2); and 11 more; short protein forms P1061T, P1095T, P1162T, P1196T, P1231T, P1120T, P1130T, P1203T.
Identifiers: ClinVar variation 1733696 (VCV001733696.3), dbSNP rs760999992, ClinGen allele CA16029370.
Genomic context (GRCh38, chr5:112,839,255, plus strand): 5'-TCATCTGGACAAAGCAGTAAAACCGAACATATGTCTTCAAGCAGTGAGAATACGTCCACA[C>A]CTTCATCTAATGCCAAGAGGCAGAATCAGCTCCATCCAAGTTCTGCACAGAGTAGAAGTG-3'
Protein context (NP_000029.2, residues 1211-1231): MSSSSENTST[Pro1221Thr]SSNAKRQNQL